The following is an entry in ClinVar:

NC_000002.11:g.(?_15506684)_(15542445_?)del

Gene: NBAS (NBAS subunit of NRZ tethering complex; minus strand). Cytogenetic location: 2p24.3.
Variant type: Deletion.
Identifiers: ClinVar variation 1458664 (VCV001458664.5).

ClinVar aggregate classification (germline): Pathogenic (1 of 4 stars; one submission).

Submission:

Labcorp Genetics (formerly Invitae), Labcorp
Classification: Pathogenic. Last evaluated: 2022-07-12. Review status: criteria provided, single submitter. Criteria: Invitae Variant Classification Sherloc (09022015). Collection method: clinical testing. Allele origin: germline.
Comment: For these reasons, this variant has been classified as Pathogenic. This variant has not been reported in the literature in individuals affected with NBAS-related conditions. This variant is a gross deletion of the genomic region encompassing exon(s) 26-32 of the NBAS gene. This deletion is out-of-frame, and is expected to create a premature termination codon and result in an absent or disrupted protein product. Loss-of-function variants in NBAS are known to be pathogenic (PMID: 26073778, 26541327, 27789416, 28031453).

Literature cited by the submitters: PubMed 26073778; PubMed 26541327; PubMed 27789416; PubMed 28031453.